The following is an entry in ClinVar:

NM_015268.4(DNAJC13):c.4543C>T (p.Pro1515Ser)

Gene: DNAJC13 (DnaJ heat shock protein family (Hsp40) member C13; plus strand). Cytogenetic location: 3q22.1.
Variant type: single nucleotide variant.
Coding change: c.4543C>T on transcript NM_015268.4 (MANE Select); coding-DNA position 4543, C replaced by T.
Protein change: p.Pro1515Ser; replaces proline 1515 with serine.
Molecular consequence: missense variant.
Genome position (GRCh38, 1-based): chr3:132,502,295, C>T. VCF-style: chr3-132502295-C-T. GRCh37 (hg19) VCF-style: chr3-132221139-C-T.
Other names: p.Pro1515Ser; c.4558C>T, p.Pro1520Ser (NM_001329126.2); c.4543C>T (NM_015268.3); short protein forms P1515S, P1520S.
Identifiers: ClinVar variation 1209899 (VCV001209899.7), dbSNP rs55825559, ClinGen allele CA2619596.

ClinVar aggregate classification (germline): Benign/Likely benign. Review status: criteria provided, multiple submitters, no conflicts (2 of 4 stars). 6 submissions from 6 submitters: Benign (1); Likely benign (2). 3 of the submissions do not count toward it. Last evaluated 2023-02-10.

Conditions:
DNAJC13-related disorder. Also called: DNAJC13-related condition.

Allele frequency attached by ClinVar (database versions not stated): 1000 Genomes Project 30x 0.01249; gnomAD exomes 0.02409 and 0.01975; gnomAD 0.01782 and 0.01828; ESP Exome Variant Server 0.02038; ExAC 0.02079; 1000 Genomes Project 0.01198; TOPMed 0.01928.
gnomAD v4.1: 37,866 of 1,609,906 alleles (2.4%); highest among the groups gnomAD compares: Non-Finnish European, 2.8%; 566 homozygotes.

Submissions (6):

Mayo Clinic Laboratories, Mayo Clinic
Classification: Benign. Last evaluated: 2023-02-10. Review status: criteria provided, single submitter. Criteria: ACMG Guidelines, 2015. Collection method: clinical testing. Allele origin: germline. Observed: 43 variant alleles.
Comment: BS1, BS2, BP4

GeneDx
Classification: Likely benign. Last evaluated: 2018-07-09. Review status: criteria provided, single submitter. Criteria: GeneDx Variant Classification Process June 2021. Collection method: clinical testing. Allele origin: germline. Affected: yes.
Comment: See Variant Classification Assertion Criteria.

Breakthrough Genomics
Classification: Likely benign. Review status: criteria provided, single submitter. Criteria: ACMG Guidelines, 2015. Collection method: not provided. Allele origin: germline. Inheritance: Unknown mechanism. Affected: yes.

PreventionGenetics, part of Exact Sciences
Classification: Benign for DNAJC13-related condition. Last evaluated: 2019-09-20. Review status: no assertion criteria provided. Collection method: clinical testing. Allele origin: germline. Not counted in ClinVar's aggregate classification.
Comment: This variant is classified as benign based on ACMG/AMP sequence variant interpretation guidelines (Richards et al. 2015 PMID: 25741868, with internal and published modifications).

Clinical Genetics DNA and cytogenetics Diagnostics Lab, Erasmus MC, Erasmus Medical Center
Classification: Benign. Review status: no assertion criteria provided. Collection method: clinical testing. Allele origin: germline. Affected: yes. Study: VKGL Data-share Consensus. Not counted in ClinVar's aggregate classification.

Genome Diagnostics Laboratory, Amsterdam University Medical Center
Classification: Likely benign. Review status: no assertion criteria provided. Collection method: clinical testing. Allele origin: germline. Affected: yes. Study: VKGL Data-share Consensus. Not counted in ClinVar's aggregate classification.

Literature cited by the submitters: PubMed 27236598 (cited by Mayo Clinic Laboratories, Mayo Clinic); PubMed 29887357 (cited by Mayo Clinic Laboratories, Mayo Clinic).